The following is an entry in ClinVar:

NM_001351132.2(PEX5):c.121C>A (p.Pro41Thr)

Gene: PEX5 (peroxisomal biogenesis factor 5; plus strand). Cytogenetic location: 12p13.31.
Variant type: single nucleotide variant.
Coding change: c.121C>A on transcript NM_001351132.2 (MANE Select); coding-DNA position 121, C replaced by A.
Protein change: p.Pro41Thr; replaces proline 41 with threonine.
Molecular consequence: missense variant.
Genome position (GRCh38, 1-based): chr12:7,190,498, C>A. VCF-style: chr12-7190498-C-A. GRCh37 (hg19) VCF-style: chr12-7343094-C-A.
Other names: c.121C>A, p.Pro41Thr (NM_000319.5, NM_001131023.2, NM_001131024.2 and 22 more transcripts); c.121C>A (NM_001131025.1); short protein forms P41T.
Identifiers: ClinVar variation 1523213 (VCV001523213.9), dbSNP rs781410836, ClinGen allele CA383708080.
Genomic context (GRCh38, chr12:7,190,498, plus strand): 5'-GCCGGGCACTTCACCCAGGACAAGGCCCTTCGGCAGGAGGGATTGAGGCCTGGCCCCTGG[C>A]CCCCCGGAGCCCCGGCCTCTGAGGCAGTGAGTGTTCTTGAGGTGGAAAGCCCAGGTGCAG-3'
Protein context (NP_001338061.1, residues 31-51): RQEGLRPGPW[Pro41Thr]PGAPASEAAS

ClinVar aggregate classification (germline): Uncertain significance. Review status: criteria provided, multiple submitters, no conflicts (2 of 4 stars). 2 submissions from 2 submitters: Uncertain significance (2). Last evaluated 2026-09-04.

Conditions:
PEX5-related disorder. Also called: PEX5-related condition; PEX5-Related Disorders.
Peroxisome biogenesis disorder 2B (PBD2B). Identifiers: Orphanet 44, MedGen C3550234, MONDO:0008736, OMIM 202370.

gnomAD v4.1: 1 of 1,612,908 alleles (0.000062%); highest among the groups gnomAD compares: Non-Finnish European, 0.000085%; no homozygotes.

Submissions (2):

PreventionGenetics, part of Exact Sciences
Classification: Uncertain significance for PEX5-related condition. Last evaluated: 2026-09-04. Review status: criteria provided, single submitter. Criteria: ACMG Guidelines, 2015. Collection method: clinical testing. Allele origin: germline.
Comment: The PEX5 c.121C>A variant is predicted to result in the amino acid substitution p.Pro41Thr. To our knowledge, this variant has not been reported in the literature or in a large population database (gnomAD), indicating this variant is rare. At this time, the clinical significance of this variant is uncertain due to the absence of conclusive functional and genetic evidence.

Labcorp Genetics (formerly Invitae), Labcorp
Classification: Uncertain significance for Peroxisome biogenesis disorder 2B. Last evaluated: 2023-08-17. Review status: criteria provided, single submitter. Criteria: Invitae Variant Classification Sherloc (09022015). Collection method: clinical testing. Allele origin: germline.
Comment: This variant is not present in population databases (gnomAD no frequency). This variant has not been reported in the literature in individuals affected with PEX5-related conditions. ClinVar contains an entry for this variant (Variation ID: 1523213). An algorithm developed to predict the effect of missense changes on protein structure and function (PolyPhen-2) suggests that this variant is likely to be tolerated. In summary, the available evidence is currently insufficient to determine the role of this variant in disease. Therefore, it has been classified as a Variant of Uncertain Significance. This sequence change replaces proline, which is neutral and non-polar, with threonine, which is neutral and polar, at codon 41 of the PEX5 protein (p.Pro41Thr).